The following is an entry in ClinVar:

ClinVar aggregate classification (germline): Uncertain significance (1 of 4 stars; one submission).

Conditions:
Intellectual disability, autosomal recessive 53 (NEDHSCA). Also called: GLYCOSYLPHOSPHATIDYLINOSITOL BIOSYNTHESIS DEFECT 13; Mental retardation, autosomal recessive 53; NEURODEVELOPMENTAL DISORDER WITH OR WITHOUT HYPOTONIA, SEIZURES, AND CEREBELLAR ATROPHY. Identifiers: Orphanet 488635, MedGen C4310794, MONDO:0014832, OMIM 616917.

gnomAD v4.1: 1 of 1,611,360 alleles (0.000062%); highest among the groups gnomAD compares: Non-Finnish European, 0.000085%; no homozygotes.

Submission:

Labcorp Genetics (formerly Invitae), Labcorp
Classification: Uncertain significance for Intellectual disability, autosomal recessive 53. Last evaluated: 2025-02-02. Review status: criteria provided, single submitter. Criteria: Invitae Variant Classification Sherloc (09022015). Collection method: clinical testing. Allele origin: germline.
Comment: This sequence change creates a premature translational stop signal (p.Trp948*) in the PIGG gene. While this is not anticipated to result in nonsense mediated decay, it is expected to disrupt the last 36 amino acid(s) of the PIGG protein. This variant is not present in population databases (gnomAD no frequency). This variant has not been reported in the literature in individuals affected with PIGG-related conditions. Algorithms developed to predict the effect of sequence changes on RNA splicing suggest that this variant may disrupt the consensus splice site. This variant disrupts a region of the PIGG protein in which other variant(s) (p.Tyr957*) have been observed in individuals with PIGG-related conditions (PMID: 34113002). This suggests that this is a clinically significant region of the protein, and that variants that disrupt it are likely to be disease-causing. In summary, the available evidence is currently insufficient to determine the role of this variant in disease. Therefore, it has been classified as a Variant of Uncertain Significance.

Literature cited by the submitters: PubMed 34113002.

NM_001127178.3(PIGG):c.2843G>A (p.Trp948Ter)

Gene: PIGG (phosphatidylinositol glycan anchor biosynthesis class G (EMM blood group); plus strand). Cytogenetic location: 4p16.3.
Variant type: single nucleotide variant.
Coding change: c.2843G>A on transcript NM_001127178.3 (MANE Select); coding-DNA position 2843, G replaced by A.
Protein change: p.Trp948Ter; replaces tryptophan 948 with a stop codon.
Molecular consequence: nonsense. On other transcripts: non-coding transcript variant (10).
Genome position (GRCh38, 1-based): chr4:539,260, G>A. VCF-style: chr4-539260-G-A. GRCh37 (hg19) VCF-style: chr4-533049-G-A.
Other names: c.2576G>A, p.Trp859Ter (NM_001289051.2, NM_001345986.2); c.2444G>A, p.Trp815Ter (NM_001289052.2); c.1814G>A, p.Trp605Ter (NM_001345988.2); c.1310G>A, p.Trp437Ter (NM_001345990.2, NM_001345991.2); c.1745G>A, p.Trp582Ter (NM_001345994.2); c.2819G>A, p.Trp940Ter (NM_017733.5); c.2552G>A, p.Trp851Ter (NM_001345987.2); short protein forms W437*, W582*, W605*, W940*, W851*, W815*, W859*, W948*.
Identifiers: ClinVar variation 3729893 (VCV003729893.2).